The following is an entry in ClinVar:

ClinVar aggregate classification (germline): Uncertain significance (1 of 4 stars; one submission).

Conditions:
Hereditary cancer-predisposing syndrome. Also called: Neoplastic Syndromes, Hereditary; Hereditary Cancer Syndrome; Tumor predisposition; Hereditary neoplastic syndrome. Identifiers: Orphanet 140162, MedGen C0027672, MeSH D009386, MONDO:0015356.

Submission:

Ambry Genetics
Classification: Uncertain significance for Hereditary cancer-predisposing syndrome. Last evaluated: 2022-11-16. Review status: criteria provided, single submitter. Criteria: Ambry Variant Classification Scheme 2023. Collection method: clinical testing. Allele origin: germline.
Comment: The c.605_628del24 variant (also known as p.V202_T209del) is located in coding exon 7 of the RAD51D gene. This variant results from an in-frame deletion of 24 nucleotides at positions 605 to 628. This results in the in-frame deletion of 8 amino acids (VVVVDSVT) at codons 202 to 209. This amino acid region is well conserved in available vertebrate species. Since supporting evidence is limited at this time, the clinical significance of this alteration remains unclear. Since supporting evidence is limited at this time, the clinical significance of this alteration remains unclear.

NM_002878.4(RAD51D):c.605_628del (p.Val202_Thr209del)

Genes: RAD51D (RAD51 paralog D; minus strand), RAD51L3-RFFL (RAD51L3-RFFL readthrough; minus strand). Cytogenetic location: 17q12.
Variant type: Deletion.
Coding change: c.605_628del on transcript NM_002878.4 (MANE Select); coding-DNA positions 605 to 628, 24 bases deleted (TGGTGGTTGTGGACTCGGTCACTG).
Protein change: p.Val202_Thr209del.
Molecular consequence: inframe deletion. On other transcripts: inframe indel (1), non-coding transcript variant (3).
Genome position (GRCh38, 1-based): chr17:35,103,493-35,103,516, CAGTGACCGAGTCCACAACCACCA deleted on the plus strand (TGGTGGTTGTGGACTCGGTCACTG on the coding strand, the reverse complement: RAD51D is on the minus strand); deleting any 24 consecutive bases within chr17:35,103,493-35,103,517 gives the same sequence; the c. name uses the placement nearest the transcript's 3' end. VCF-style (leftmost placement, unchanged base first): chr17-35103492-GCAGTGACCGAGTCCACAACCACCA-G. GRCh37 (hg19) VCF-style: chr17-33430511-GCAGTGACCGAGTCCACAACCACCA-G.
Other names: c.605_628del24 (NM_002878.3); c.665_688del, p.Val222_Thr229del (NM_001142571.2); c.269_292del, p.Val90_Thr97del (NM_133629.3).
Identifiers: ClinVar variation 2448042 (VCV002448042.2), dbSNP rs2509130306, ClinGen allele CA2580093471.